The following is an entry in ClinVar:

NM_004260.4(RECQL4):c.34C>G (p.Gln12Glu)

Genes: RECQL4 (RecQ like helicase 4; minus strand), LOC130001411 (ATAC-STARR-seq lymphoblastoid silent region 19699; plus strand). Cytogenetic location: 8q24.3.
Variant type: single nucleotide variant.
Coding change: c.34C>G on transcript NM_004260.4 (MANE Select); coding-DNA position 34, C replaced by G.
Protein change: p.Gln12Glu; replaces glutamine 12 with glutamic acid.
Molecular consequence: missense variant.
Genome position (GRCh38, 1-based): chr8:144,517,751, G>C on the plus strand (C>G on the coding strand, the complement: RECQL4 is on the minus strand). VCF-style: chr8-144517751-G-C. GRCh37 (hg19) VCF-style: chr8-145743135-G-C.
Other names: c.34C>G, p.Gln12Glu (NM_001413025.1, NM_001413033.1, NM_001413036.1 and 6 more transcripts); c.-1100C>G (NM_001413027.1); c.-997C>G (NM_001413032.1); c.-1007C>G (NM_001413034.1); c.-935C>G (NM_001413035.1); c.-1103C>G (NM_001413037.1, NM_001413038.1, NM_001413022.1 and 2 more transcripts); c.-752C>G (NM_001413021.1); c.-1000C>G (NM_001413024.1); and 4 more; short protein forms Q12E.
Identifiers: ClinVar variation 2014366 (VCV002014366.4), dbSNP rs2130746066, ClinGen allele CA372693903.

ClinVar aggregate classification (germline): Uncertain significance (1 of 4 stars; one submission).

Conditions:
Baller-Gerold syndrome (BGS). Also called: CRANIOSYNOSTOSIS WITH RADIAL DEFECTS. Identifiers: Orphanet 1225, MedGen C0265308, MONDO:0009039, OMIM 218600.

Submission:

Labcorp Genetics (formerly Invitae), Labcorp
Classification: Uncertain significance for Baller-Gerold syndrome. Last evaluated: 2022-07-06. Review status: criteria provided, single submitter. Criteria: Invitae Variant Classification Sherloc (09022015). Collection method: clinical testing. Allele origin: germline.
Comment: In summary, the available evidence is currently insufficient to determine the role of this variant in disease. Therefore, it has been classified as a Variant of Uncertain Significance. Experimental studies and prediction algorithms are not available or were not evaluated, and the functional significance of this variant is currently unknown. This variant has not been reported in the literature in individuals affected with RECQL4-related conditions. This variant is not present in population databases (gnomAD no frequency). This sequence change replaces glutamine, which is neutral and polar, with glutamic acid, which is acidic and polar, at codon 12 of the RECQL4 protein (p.Gln12Glu).